The following is an entry in ClinVar:

ClinVar aggregate classification (germline): Uncertain significance (1 of 4 stars; one submission).

Submission:

GeneDx
Classification: Uncertain significance. Last evaluated: 2023-02-15. Review status: criteria provided, single submitter. Criteria: GeneDx Variant Classification Process June 2021. Collection method: clinical testing. Allele origin: germline. Affected: yes.
Comment: Not observed at significant frequency in large population cohorts (gnomAD); In silico analysis supports that this missense variant has a deleterious effect on protein structure/function; Has not been previously published as pathogenic or benign to our knowledge

NM_006852.6(TLK2):c.1784C>G (p.Ser595Trp)

Gene: TLK2 (tousled like kinase 2; plus strand). Cytogenetic location: 17q23.2.
Variant type: single nucleotide variant.
Coding change: c.1784C>G on transcript NM_006852.6 (MANE Select); coding-DNA position 1784, C replaced by G.
Protein change: p.Ser595Trp; replaces serine 595 with tryptophan.
Molecular consequence: missense variant.
Genome position (GRCh38, 1-based): chr17:62,602,105, C>G. VCF-style: chr17-62602105-C-G. GRCh37 (hg19) VCF-style: chr17-60679466-C-G.
Other names: c.1850C>G, p.Ser617Trp (NM_001284333.3); c.1688C>G, p.Ser563Trp (NM_001284363.1, NM_001375272.1); c.1337C>G, p.Ser446Trp (NM_001330418.3, NM_001375273.1); c.1826C>G, p.Ser609Trp (NM_001375269.1); c.1784C>G, p.Ser595Trp (NM_001375270.1, NM_001375271.1); c.1499C>G, p.Ser500Trp (NM_001411074.1); short protein forms S446W, S500W, S563W, S595W, S609W, S617W.
Identifiers: ClinVar variation 2576914 (VCV002576914.1), dbSNP rs2082914686, ClinGen allele CA400512425.